The following is an entry in ClinVar:

NM_025137.4(SPG11):c.2377G>T (p.Val793Leu)

Gene: SPG11 (SPG11 vesicle trafficking associated, spatacsin; minus strand). Cytogenetic location: 15q21.1.
Variant type: single nucleotide variant.
Coding change: c.2377G>T on transcript NM_025137.4 (MANE Select); coding-DNA position 2377, G replaced by T.
Protein change: p.Val793Leu; replaces valine 793 with leucine.
Molecular consequence: missense variant.
Genome position (GRCh38, 1-based): chr15:44,622,287, C>A on the plus strand (G>T on the coding strand, the complement: SPG11 is on the minus strand). VCF-style: chr15-44622287-C-A. GRCh37 (hg19) VCF-style: chr15-44914485-C-A.
Other names: c.2377G>T, p.Val793Leu (NM_001160227.2); short protein forms V793L.
Identifiers: ClinVar variation 1360117 (VCV001360117.8), dbSNP rs546601155, ClinGen allele CA392231965.

ClinVar aggregate classification (germline): Uncertain significance. Review status: criteria provided, multiple submitters, no conflicts (2 of 4 stars). 3 submissions from 3 submitters: Uncertain significance (3). Last evaluated 2022-12-19.

Conditions:
Hereditary spastic paraplegia 11. Also called: Spastic paraplegia, mental retardation and thin corpus callosum; Nakamura Osame syndrome; Autosomal recessive hereditary spastic paraplegia, mental impairment, and thin corpus callosum; Spastic Paraplegia 11; SPASTIC PARAPLEGIA, AUTOSOMAL RECESSIVE, COMPLICATED, WITH THIN CORPUS CALLOSUM; SPASTIC PARAPLEGIA, AUTOSOMAL RECESSIVE, WITH MENTAL IMPAIRMENT AND THIN CORPUS CALLOSUM. Identifiers: Orphanet 2822, MedGen C1858479, MONDO:0011445, OMIM 604360.
Inborn genetic diseases. Identifiers: MedGen C0950123, MeSH D030342.

gnomAD v4.1: 38 of 1,594,994 alleles (0.0024%); highest among the groups gnomAD compares: Non-Finnish European, 0.0032%; no homozygotes.

Submissions (3):

Blueprint Genetics
Classification: Uncertain significance. Last evaluated: 2022-12-19. Review status: criteria provided, single submitter. Criteria: ACMG Guidelines, 2015. Collection method: clinical testing. Allele origin: germline.

Labcorp Genetics (formerly Invitae), Labcorp
Classification: Uncertain significance for Hereditary spastic paraplegia 11. Last evaluated: 2022-02-25. Review status: criteria provided, single submitter. Criteria: Invitae Variant Classification Sherloc (09022015). Collection method: clinical testing. Allele origin: germline.
Comment: This sequence change replaces valine, which is neutral and non-polar, with leucine, which is neutral and non-polar, at codon 793 of the SPG11 protein (p.Val793Leu). This variant is present in population databases (no rsID available, gnomAD 0.0009%). This variant has not been reported in the literature in individuals affected with SPG11-related conditions. Algorithms developed to predict the effect of missense changes on protein structure and function are either unavailable or do not agree on the potential impact of this missense change (SIFT: "Tolerated"; PolyPhen-2: "Possibly Damaging"; Align-GVGD: "Class C0"). In summary, the available evidence is currently insufficient to determine the role of this variant in disease. Therefore, it has been classified as a Variant of Uncertain Significance.

Ambry Genetics
Classification: Uncertain significance for Inborn genetic diseases. Last evaluated: 2021-03-10. Review status: criteria provided, single submitter. Criteria: Ambry Variant Classification Scheme 2023. Collection method: clinical testing. Allele origin: germline.
Comment: The p.V793L variant (also known as c.2377G>T), located in coding exon 13 of the SPG11 gene, results from a G to T substitution at nucleotide position 2377. The valine at codon 793 is replaced by leucine, an amino acid with highly similar properties. This amino acid position is well conserved in available vertebrate species. In addition, the in silico prediction for this alteration is inconclusive. Since supporting evidence is limited at this time, the clinical significance of this alteration remains unclear.